The following is an entry in ClinVar:

ClinVar aggregate classification (germline): Uncertain significance (1 of 4 stars; one submission).

Submission:

Labcorp Genetics (formerly Invitae), Labcorp
Classification: Uncertain significance. Last evaluated: 2024-02-05. Review status: criteria provided, single submitter. Criteria: Invitae Variant Classification Sherloc (09022015). Collection method: clinical testing. Allele origin: germline.
Comment: This sequence change replaces proline, which is neutral and non-polar, with arginine, which is basic and polar, at codon 2757 of the ANK3 protein (p.Pro2757Arg). This variant is not present in population databases (gnomAD no frequency). This variant has not been reported in the literature in individuals affected with ANK3-related conditions. ClinVar contains an entry for this variant (Variation ID: 1930437). Advanced modeling of protein sequence and biophysical properties (such as structural, functional, and spatial information, amino acid conservation, physicochemical variation, residue mobility, and thermodynamic stability) performed at Invitae indicates that this missense variant is expected to disrupt ANK3 protein function with a positive predictive value of 80%. In summary, the available evidence is currently insufficient to determine the role of this variant in disease. Therefore, it has been classified as a Variant of Uncertain Significance.

NM_020987.5(ANK3):c.8270C>G (p.Pro2757Arg)

Gene: ANK3 (ankyrin 3; minus strand). Cytogenetic location: 10q21.2.
Variant type: single nucleotide variant.
Coding change: c.8270C>G on transcript NM_020987.5 (MANE Select); coding-DNA position 8270, C replaced by G.
Protein change: p.Pro2757Arg; replaces proline 2757 with arginine.
Molecular consequence: missense variant. On other transcripts: intron variant (4).
Genome position (GRCh38, 1-based): chr10:60,072,611, G>C on the plus strand (C>G on the coding strand, the complement: ANK3 is on the minus strand). VCF-style: chr10-60072611-G-C. GRCh37 (hg19) VCF-style: chr10-61832369-G-C.
Other names: c.4388-4602C>G (NM_001204403.2); c.4409-4602C>G (NM_001204404.2); c.4406-4602C>G (NM_001320874.2); c.1808-4602C>G (NM_001149.4); short protein forms P2757R.
Identifiers: ClinVar variation 1930437 (VCV001930437.5), dbSNP rs2082946579, ClinGen allele CA377008217.